The following is an entry in ClinVar:

ClinVar aggregate classification (germline): Uncertain significance. Review status: criteria provided, multiple submitters, no conflicts (2 of 4 stars). 2 submissions from 2 submitters: Uncertain significance (2). Last evaluated 2024-11-04.

Conditions:
Familial cylindromatosis. Also called: ANCELL-SPIEGLER CYLINDROMAS; Turban tumor syndrome. Identifiers: Orphanet 211, Orphanet 79493, MedGen C1851526, MONDO:0007565, OMIM 132700.

Submissions (2):

Labcorp Genetics (formerly Invitae), Labcorp
Classification: Uncertain significance. Last evaluated: 2024-11-04. Review status: criteria provided, single submitter. Criteria: Invitae Variant Classification Sherloc (09022015). Collection method: clinical testing. Allele origin: germline.
Comment: This sequence change replaces glycine, which is neutral and non-polar, with aspartic acid, which is acidic and polar, at codon 593 of the CYLD protein (p.Gly593Asp). This variant is not present in population databases (gnomAD no frequency). This variant has not been reported in the literature in individuals affected with CYLD-related conditions. ClinVar contains an entry for this variant (Variation ID: 267241). Invitae Evidence Modeling of protein sequence and biophysical properties (such as structural, functional, and spatial information, amino acid conservation, physicochemical variation, residue mobility, and thermodynamic stability) indicates that this missense variant is expected to disrupt CYLD protein function with a positive predictive value of 80%. In summary, the available evidence is currently insufficient to determine the role of this variant in disease. Therefore, it has been classified as a Variant of Uncertain Significance.

Genomic Diagnostic Laboratory, Division of Genomic Diagnostics, Children's Hospital of Philadelphia
Classification: Uncertain significance for Cylindromatosis, familial. Last evaluated: 2016-09-23. Review status: criteria provided, single submitter. Criteria: DGD Variant Analysis Guidelines. Collection method: clinical testing. Allele origin: germline. Affected: yes. Observed: 1 variant allele.
Comment: Clinical Testing

NM_001378743.1(CYLD):c.1778G>A (p.Gly593Asp)

Gene: CYLD (CYLD lysine 63 deubiquitinase; plus strand). Cytogenetic location: 16q12.1.
Variant type: single nucleotide variant.
Coding change: c.1778G>A on transcript NM_001378743.1 (MANE Select); coding-DNA position 1778, G replaced by A.
Protein change: p.Gly593Asp; replaces glycine 593 with aspartic acid.
Molecular consequence: missense variant. On other transcripts: non-coding transcript variant (1).
Genome position (GRCh38, 1-based): chr16:50,782,418, G>A. VCF-style: chr16-50782418-G-A. GRCh37 (hg19) VCF-style: chr16-50816329-G-A.
Other names: c.1769G>A, p.Gly590Asp (NM_001378749.1, NM_001378750.1, NM_001042355.2 and 6 more transcripts); c.1739G>A, p.Gly580Asp (NM_001378751.1, NM_001378752.1, NM_001378753.1); c.1103G>A, p.Gly368Asp (NM_001378754.1, NM_001378755.1); c.1778G>A, p.Gly593Asp (NM_015247.3); short protein forms G593D, G590D, G368D, G580D.
Identifiers: ClinVar variation 267241 (VCV000267241.3), dbSNP rs886040880, ClinGen allele CA10590078.